The following is an entry in ClinVar:

ClinVar aggregate classification (germline): Likely pathogenic (1 of 4 stars; one submission).

Conditions:
Inborn genetic diseases. Identifiers: MedGen C0950123, MeSH D030342.

Submission:

Ambry Genetics
Classification: Likely pathogenic for Inborn genetic diseases. Last evaluated: 2026-09-08. Review status: criteria provided, single submitter. Criteria: Ambry Variant Classification Scheme 2023. Collection method: clinical testing. Allele origin: germline.
Comment: The c.559C>A (p.P187T) alteration is located in exon 5 (coding exon 5) of the SLC2A1 gene. This alteration results from a C to A substitution at nucleotide position 559, causing the proline (P) at amino acid position 187 to be replaced by a threonine (T). This variant was not reported in population-based cohorts in the Genome Aggregation Database (gnomAD). This amino acid position is highly conserved in available vertebrate species. This missense variant is located in a region that has a low rate of benign missense variation (Lek, 2016; Firth, 2009). This alteration is predicted to be deleterious by in silico analysis. Based on the available evidence, this alteration is classified as likely pathogenic.

NM_006516.4(SLC2A1):c.559C>A (p.Pro187Thr)

Gene: SLC2A1 (solute carrier family 2 member 1; minus strand). Cytogenetic location: 1p34.2.
Variant type: single nucleotide variant.
Coding change: c.559C>A on transcript NM_006516.4 (MANE Select); coding-DNA position 559, C replaced by A.
Protein change: p.Pro187Thr; replaces proline 187 with threonine.
Molecular consequence: missense variant.
Genome position (GRCh38, 1-based): chr1:42,929,993, G>T on the plus strand (C>A on the coding strand, the complement: SLC2A1 is on the minus strand). VCF-style: chr1-42929993-G-T. GRCh37 (hg19) VCF-style: chr1-43395664-G-T.
Other names: short protein forms P187T.
Identifiers: ClinVar variation 5029622 (VCV005029622.1).